The following is an entry in ClinVar:

ClinVar aggregate classification (germline): Likely benign. Review status: criteria provided, multiple submitters, no conflicts (2 of 4 stars). 4 submissions from 4 submitters: Likely benign (3). 1 of the submissions does not count toward it. Last evaluated 2026-01-18.

Conditions:
CKAP2L-related disorder. Also called: CKAP2L-related condition.

Allele frequency attached by ClinVar (database versions not stated): gnomAD exomes 0.00017 and 0.00058; ExAC 0.00068; gnomAD 0.00231 and 0.00249; TOPMed 0.00233; ESP Exome Variant Server 0.00254; 1000 Genomes Project 0.00260; 1000 Genomes Project 30x 0.00281.
gnomAD v4.1: 608 of 1,614,210 alleles (0.038%); highest among the groups gnomAD compares: African/African-American, 0.7%; 3 homozygotes.

Submissions (4):

Labcorp Genetics (formerly Invitae), Labcorp
Classification: Likely benign. Last evaluated: 2026-01-18. Review status: criteria provided, single submitter. Criteria: Invitae Variant Classification Sherloc (09022015). Collection method: clinical testing. Allele origin: germline.

Blueprint Genetics
Classification: Likely benign. Last evaluated: 2024-10-16. Review status: criteria provided, single submitter. Criteria: ACMG Guidelines, 2015. Collection method: clinical testing. Allele origin: germline.

Breakthrough Genomics
Classification: Likely benign. Review status: criteria provided, single submitter. Criteria: ACMG Guidelines, 2015. Collection method: not provided. Allele origin: germline. Inheritance: Autosomal recessive inheritance. Affected: yes.

PreventionGenetics, part of Exact Sciences
Classification: Likely benign for CKAP2L-related condition. Last evaluated: 2019-02-25. Review status: no assertion criteria provided. Collection method: clinical testing. Allele origin: germline. Not counted in ClinVar's aggregate classification.
Comment: This variant is classified as likely benign based on ACMG/AMP sequence variant interpretation guidelines (Richards et al. 2015 PMID: 25741868, with internal and published modifications).

NM_152515.5(CKAP2L):c.401T>G (p.Leu134Arg)

Gene: CKAP2L (cytoskeleton associated protein 2L; minus strand). Cytogenetic location: 2q14.1.
Variant type: single nucleotide variant.
Coding change: c.401T>G on transcript NM_152515.5 (MANE Select); coding-DNA position 401, T replaced by G.
Protein change: p.Leu134Arg; replaces leucine 134 with arginine.
Molecular consequence: missense variant. On other transcripts: 5 prime UTR variant (1), non-coding transcript variant (1).
Genome position (GRCh38, 1-based): chr2:112,756,970, A>C on the plus strand (T>G on the coding strand, the complement: CKAP2L is on the minus strand). VCF-style: chr2-112756970-A-C. GRCh37 (hg19) VCF-style: chr2-113514547-A-C.
Other names: c.-95T>G (NM_001304361.2); short protein forms L134R.
Identifiers: ClinVar variation 727231 (VCV000727231.11), dbSNP rs74625166, ClinGen allele CA1836844.